The following is an entry in ClinVar:

NM_000168.6(GLI3):c.2864C>T (p.Thr955Met)

Gene: GLI3 (GLI family zinc finger 3; minus strand). Cytogenetic location: 7p14.1.
Variant type: single nucleotide variant.
Coding change: c.2864C>T on transcript NM_000168.6 (MANE Select); coding-DNA position 2864, C replaced by T.
Protein change: p.Thr955Met; replaces threonine 955 with methionine.
Molecular consequence: missense variant.
Genome position (GRCh38, 1-based): chr7:41,966,209, G>A on the plus strand (C>T on the coding strand, the complement: GLI3 is on the minus strand). VCF-style: chr7-41966209-G-A. GRCh37 (hg19) VCF-style: chr7-42005807-G-A.
Other names: short protein forms T955M.
Identifiers: ClinVar variation 4830066 (VCV004830066.1).

ClinVar aggregate classification (germline): Uncertain significance (1 of 4 stars; one submission).

Conditions:
Inborn genetic diseases. Identifiers: MedGen C0950123, MeSH D030342.

gnomAD v4.1: 1 of 1,607,702 alleles (0.000062%); highest among the groups gnomAD compares: Non-Finnish European, 0.000085%; no homozygotes.

Submission:

Ambry Genetics
Classification: Uncertain significance for Inborn genetic diseases. Last evaluated: 2026-02-24. Review status: criteria provided, single submitter. Criteria: Ambry Variant Classification Scheme 2023. Collection method: clinical testing. Allele origin: germline.
Comment: The c.2864C>T (p.T955M) alteration is located in exon 15 (coding exon 14) of the GLI3 gene. This alteration results from a C to T substitution at nucleotide position 2864, causing the threonine (T) at amino acid position 955 to be replaced by a methionine (M). Based on data from gnomAD, the T allele has an overall frequency of <0.001% (0/229714) total alleles studied. The highest observed frequency was <0.001% (/) of alleles. Based on insufficient or conflicting evidence, the clinical significance of this alteration remains unclear.